The following is an entry in ClinVar:

ClinVar aggregate classification (germline): Pathogenic (1 of 4 stars; one submission).

Conditions:
Fanconi anemia (FA). Also called: Fanconi's anemia. Identifiers: Orphanet 84, MedGen C0015625, MeSH D005199, MONDO:0019391.

gnomAD v4.1: 1 of 1,614,190 alleles (0.000062%); highest among the groups gnomAD compares: Non-Finnish European, 0.000085%; no homozygotes.

Submission:

Labcorp Genetics (formerly Invitae), Labcorp
Classification: Pathogenic for Fanconi anemia. Last evaluated: 2022-03-12. Review status: criteria provided, single submitter. Criteria: Invitae Variant Classification Sherloc (09022015). Collection method: clinical testing. Allele origin: germline.
Comment: For these reasons, this variant has been classified as Pathogenic. Algorithms developed to predict the effect of sequence changes on RNA splicing suggest that this variant may create or strengthen a splice site. This premature translational stop signal has been observed in individual(s) with Fanconi anemia (PMID: 15643609, 29098742). This variant is not present in population databases (gnomAD no frequency). This sequence change creates a premature translational stop signal (p.Trp903*) in the FANCA gene. It is expected to result in an absent or disrupted protein product. Loss-of-function variants in FANCA are known to be pathogenic (PMID: 19367192).

Literature cited by the submitters: PubMed 15643609; PubMed 29098742; PubMed 19367192.

NM_000135.4(FANCA):c.2709G>A (p.Trp903Ter)

Gene: FANCA (FA complementation group A; minus strand). Cytogenetic location: 16q24.3.
Variant type: single nucleotide variant.
Coding change: c.2709G>A on transcript NM_000135.4 (MANE Select); coding-DNA position 2709, G replaced by A.
Protein change: p.Trp903Ter; replaces tryptophan 903 with a stop codon.
Molecular consequence: nonsense.
Genome position (GRCh38, 1-based): chr16:89,764,959, C>T on the plus strand (G>A on the coding strand, the complement: FANCA is on the minus strand). VCF-style: chr16-89764959-C-T. GRCh37 (hg19) VCF-style: chr16-89831367-C-T.
Other names: c.2709G>A, p.Trp903Ter (NM_001286167.3); short protein forms W903*.
Identifiers: ClinVar variation 1972563 (VCV001972563.5), dbSNP rs2143288626, ClinGen allele CA397438220.